The following is an entry in ClinVar:

NM_033004.4(NLRP1):c.56A>G (p.Glu19Gly)

Genes: NLRP1 (NLR family pyrin domain containing 1; minus strand), LOC126862475 (CDK7 strongly-dependent group 2 enhancer GRCh37_chr17:5487167-5488366; plus strand). Cytogenetic location: 17p13.2.
Variant type: single nucleotide variant.
Coding change: c.56A>G on transcript NM_033004.4 (MANE Select); coding-DNA position 56, A replaced by G.
Protein change: p.Glu19Gly; replaces glutamic acid 19 with glycine.
Molecular consequence: missense variant.
Genome position (GRCh38, 1-based): chr17:5,583,902, T>C on the plus strand (A>G on the coding strand, the complement: NLRP1 is on the minus strand). VCF-style: chr17-5583902-T-C. GRCh37 (hg19) VCF-style: chr17-5487222-T-C.
Other names: c.56A>G, p.Glu19Gly (NM_001033053.3, NM_014922.5, NM_033006.4 and 1 more transcripts); short protein forms E19G.
Identifiers: ClinVar variation 2044088 (VCV002044088.4), dbSNP rs2508145090, ClinGen allele CA397391285.

ClinVar aggregate classification (germline): Uncertain significance (1 of 4 stars; one submission).

Submission:

Labcorp Genetics (formerly Invitae), Labcorp
Classification: Uncertain significance. Last evaluated: 2022-11-22. Review status: criteria provided, single submitter. Criteria: Invitae Variant Classification Sherloc (09022015). Collection method: clinical testing. Allele origin: germline.
Comment: In summary, the available evidence is currently insufficient to determine the role of this variant in disease. Therefore, it has been classified as a Variant of Uncertain Significance. Algorithms developed to predict the effect of missense changes on protein structure and function are either unavailable or do not agree on the potential impact of this missense change (SIFT: "Deleterious"; PolyPhen-2: "Possibly Damaging"; Align-GVGD: "Class C0"). This variant has not been reported in the literature in individuals affected with NLRP1-related conditions. This variant is not present in population databases (gnomAD no frequency). This sequence change replaces glutamic acid, which is acidic and polar, with glycine, which is neutral and non-polar, at codon 19 of the NLRP1 protein (p.Glu19Gly).